The following is an entry in ClinVar:

ClinVar aggregate classification (germline): Uncertain significance (1 of 4 stars; one submission).

Conditions:
Charcot-Marie-Tooth disease dominant intermediate F. Identifiers: Orphanet 352670, MedGen C4749463, MONDO:0014074, OMIM 615185.

Submission:

Labcorp Genetics (formerly Invitae), Labcorp
Classification: Uncertain significance for Charcot-Marie-Tooth disease dominant intermediate F. Last evaluated: 2022-03-11. Review status: criteria provided, single submitter. Criteria: Invitae Variant Classification Sherloc (09022015). Collection method: clinical testing. Allele origin: germline.
Comment: Algorithms developed to predict the effect of sequence changes on RNA splicing suggest that this variant may disrupt the consensus splice site. In summary, the available evidence is currently insufficient to determine the role of this variant in disease. Therefore, it has been classified as a Variant of Uncertain Significance. ClinVar contains an entry for this variant (Variation ID: 1056355). This sequence change falls in intron 8 of the GNB4 gene. It does not directly change the encoded amino acid sequence of the GNB4 protein. This variant is not present in population databases (gnomAD no frequency). This variant has not been reported in the literature in individuals affected with GNB4-related conditions.

NM_021629.4(GNB4):c.700-9C>G

Gene: GNB4 (G protein subunit beta 4; minus strand). Cytogenetic location: 3q26.33.
Variant type: single nucleotide variant.
Coding change: c.700-9C>G on transcript NM_021629.4 (MANE Select); 9 bases into the intron before coding-DNA position 700, C replaced by G.
Molecular consequence: intron variant.
Genome position (GRCh38, 1-based): chr3:179,405,415, G>C on the plus strand (C>G on the coding strand, the complement: GNB4 is on the minus strand). VCF-style: chr3-179405415-G-C. GRCh37 (hg19) VCF-style: chr3-179123203-G-C.
Identifiers: ClinVar variation 1056355 (VCV001056355.9), dbSNP rs2108580139, ClinGen allele CA2499216587.